The following is an entry in ClinVar:

NM_004525.3(LRP2):c.10223C>T (p.Pro3408Leu)

Gene: LRP2 (LDL receptor related protein 2; minus strand). Cytogenetic location: 2q31.1.
Variant type: single nucleotide variant.
Coding change: c.10223C>T on transcript NM_004525.3 (MANE Select); coding-DNA position 10223, C replaced by T.
Protein change: p.Pro3408Leu; replaces proline 3408 with leucine.
Molecular consequence: missense variant.
Genome position (GRCh38, 1-based): chr2:169,177,973, G>A on the plus strand (C>T on the coding strand, the complement: LRP2 is on the minus strand). VCF-style: chr2-169177973-G-A. GRCh37 (hg19) VCF-style: chr2-170034483-G-A.
Other names: short protein forms P3408L.
Identifiers: ClinVar variation 1704054 (VCV001704054.3), dbSNP rs931647447, ClinGen allele CA59915323.

ClinVar aggregate classification (germline): Uncertain significance (1 of 4 stars; one submission).

Submission:

GeneDx
Classification: Uncertain significance. Last evaluated: 2025-01-16. Review status: criteria provided, single submitter. Criteria: GeneDx Variant Classification Process June 2021. Collection method: clinical testing. Allele origin: germline. Affected: yes.
Comment: Not observed at significant frequency in large population cohorts (gnomAD); In silico analysis supports that this missense variant has a deleterious effect on protein structure/function; Has not been previously published as pathogenic or benign to our knowledge